The following is an entry in ClinVar:

NM_002440.4(MSH4):c.113C>T (p.Thr38Ile)

Gene: MSH4 (mutS homolog 4; plus strand). Cytogenetic location: 1p31.1.
Variant type: single nucleotide variant.
Coding change: c.113C>T on transcript NM_002440.4 (MANE Select); coding-DNA position 113, C replaced by T.
Protein change: p.Thr38Ile; replaces threonine 38 with isoleucine.
Molecular consequence: missense variant.
Genome position (GRCh38, 1-based): chr1:75,797,098, C>T. VCF-style: chr1-75797098-C-T. GRCh37 (hg19) VCF-style: chr1-76262783-C-T.
Other names: c.113C>T (NM_002440.3); short protein forms T38I.
Identifiers: ClinVar variation 3257210 (VCV003257210.18).
Genomic context (GRCh38, chr1:75,797,098, plus strand): 5'-CGTCGTCGGGAGAAACCCGCTCACCTCAGGGTCCCCGCTACAATTTCGGACTCCAGGAGA[C>T]TCCACAGAGCCGCCCTTCGGTCCAGGTGGTCTCTGCATCCACCTGTCCTGGCACGTCAGG-3'
Protein context (NP_002431.2, residues 28-48): GPRYNFGLQE[Thr38Ile]PQSRPSVQVV

ClinVar aggregate classification (germline): Uncertain significance. Review status: criteria provided, multiple submitters, no conflicts (2 of 4 stars). 2 submissions from 2 submitters: Uncertain significance (2). Last evaluated 2025-08-10.

Conditions:
Inborn genetic diseases. Identifiers: MedGen C0950123, MeSH D030342.

gnomAD v4.1: 61 of 1,614,058 alleles (0.0038%); highest among the groups gnomAD compares: Non-Finnish European, 0.005%; no homozygotes.

Submissions (2):

Ambry Genetics
Classification: Uncertain significance for Inborn genetic diseases. Last evaluated: 2025-08-10. Review status: criteria provided, single submitter. Criteria: Ambry Variant Classification Scheme 2023. Collection method: clinical testing. Allele origin: germline.

CeGaT Center for Human Genetics Tuebingen
Classification: Uncertain significance. Last evaluated: 2024-07-01. Review status: criteria provided, single submitter. Criteria: CeGaT Center For Human Genetics Tuebingen Variant Classification Criteria Version 2. Collection method: clinical testing. Allele origin: germline. Affected: yes. Observed: 1 variant allele.
Comment: MSH4: PM2, BP4